The following is an entry in ClinVar:

NM_001330311.2(DVL1):c.2060C>G (p.Pro687Arg)

Gene: DVL1 (dishevelled segment polarity protein 1; minus strand). Cytogenetic location: 1p36.33.
Variant type: single nucleotide variant.
Coding change: c.2060C>G on transcript NM_001330311.2 (MANE Select); coding-DNA position 2060, C replaced by G.
Protein change: p.Pro687Arg; replaces proline 687 with arginine.
Molecular consequence: missense variant.
Genome position (GRCh38, 1-based): chr1:1,336,170, G>C on the plus strand (C>G on the coding strand, the complement: DVL1 is on the minus strand). VCF-style: chr1-1336170-G-C. GRCh37 (hg19) VCF-style: chr1-1271550-G-C.
Other names: c.1985C>G, p.Pro662Arg (NM_004421.3); short protein forms P662R, P687R.
Identifiers: ClinVar variation 1327733 (VCV001327733.2), dbSNP rs1258802306, ClinGen allele CA337853648.
Genomic context (GRCh38, chr1:1,336,170, plus strand): 5'-ACCTCAGGCAGGGCTGGGGCATGCGCCACGAGTCACATGATGTCCACGAAGAACTCGCAG[G>C]GGTTCCCCATAGCCTTCTGGAAGGACTGGCGGCTGCCTGTCAATTCCGGGGGGACGGCAG-3'
Protein context (NP_001317240.1, residues 677-695): RQSFQKAMGN[Pro687Arg]CEFFVDIM

ClinVar aggregate classification (germline): Uncertain significance (1 of 4 stars; one submission).

Submission:

GeneDx
Classification: Uncertain significance. Last evaluated: 2021-06-10. Review status: criteria provided, single submitter. Criteria: GeneDx Variant Classification Process June 2021. Collection method: clinical testing. Allele origin: germline. Affected: yes.
Comment: Not observed at significant frequency in large population cohorts (Lek et al., 2016); In silico analysis supports that this missense variant has a deleterious effect on protein structure/function; Has not been previously published as pathogenic or benign to our knowledge; This variant is associated with the following publications: (PMID: 27535533)